The following is an entry in ClinVar:

ClinVar aggregate classification (germline): Uncertain significance (1 of 4 stars; one submission).

Conditions:
Cardiomyopathy (CMYO). Also called: Cardiomyopathies. Identifiers: Orphanet 167848, MedGen C0878544, MONDO:0004994, HP:0001638. Inheritance: Various modes of inheritance.

gnomAD v4.1: 1 of 1,610,870 alleles (0.000062%); highest among the groups gnomAD compares: Non-Finnish European, 0.000085%; no homozygotes.

Submission:

Color Diagnostics, LLC DBA Color Health
Classification: Uncertain significance for Cardiomyopathy. Last evaluated: 2025-06-17. Review status: criteria provided, single submitter. Criteria: ACMG Guidelines, 2015. Collection method: clinical testing. Allele origin: germline.
Comment: This missense variant replaces threonine with serine at codon 1297 of the RYR2 protein. Computational prediction suggests that this variant may not impact protein structure and function. To our knowledge, functional studies have not been reported for this variant. This variant has not been reported in individuals affected with RYR2-related disorders in the literature. This variant has not been identified in the general population by the Genome Aggregation Database (gnomAD). The available evidence is insufficient to determine the role of this variant in disease conclusively. Therefore, this variant is classified as a Variant of Uncertain Significance.

NM_001035.3(RYR2):c.3889A>T (p.Thr1297Ser)

Genes: RYR2 (ryanodine receptor 2; plus strand), LOC126806067 (BRD4-independent group 4 enhancer GRCh37_chr1:237753258-237754457; plus strand). Cytogenetic location: 1q43.
Variant type: single nucleotide variant.
Coding change: c.3889A>T on transcript NM_001035.3 (MANE Select); coding-DNA position 3889, A replaced by T.
Protein change: p.Thr1297Ser; replaces threonine 1297 with serine.
Molecular consequence: missense variant.
Genome position (GRCh38, 1-based): chr1:237,590,721, A>T. VCF-style: chr1-237590721-A-T. GRCh37 (hg19) VCF-style: chr1-237754021-A-T.
Other names: short protein forms T1297S.
Identifiers: ClinVar variation 4757195 (VCV004757195.1).